The following is an entry in ClinVar:

NM_000891.3(KCNJ2):c.101A>G (p.Lys34Arg)

Gene: KCNJ2 (potassium inwardly rectifying channel subfamily J member 2; plus strand). Cytogenetic location: 17q24.3.
Variant type: single nucleotide variant.
Coding change: c.101A>G on transcript NM_000891.3 (MANE Select); coding-DNA position 101, A replaced by G.
Protein change: p.Lys34Arg; replaces lysine 34 with arginine.
Molecular consequence: missense variant.
Genome position (GRCh38, 1-based): chr17:70,175,140, A>G. VCF-style: chr17-70175140-A-G. GRCh37 (hg19) VCF-style: chr17-68171281-A-G.
Other names: short protein forms K34R.
Identifiers: ClinVar variation 661299 (VCV000661299.5), dbSNP rs772815957, ClinGen allele CA8738690.

ClinVar aggregate classification (germline): Uncertain significance (1 of 4 stars; one submission).

Conditions:
Andersen Tawil syndrome (LQT7). Also called: ANDERSEN CARDIODYSRHYTHMIC PERIODIC PARALYSIS; PERIODIC PARALYSIS, POTASSIUM-SENSITIVE CARDIODYSRHYTHMIC TYPE; LONG QT SYNDROME 7; Potassium-sensitive periodic paralysis, ventricular ectopy, and dysmorphic features; Andersen Syndrome. Identifiers: Orphanet 37553, MedGen C1563715, MONDO:0008222, OMIM 170390.
Short QT syndrome type 3. Identifiers: Orphanet 51083, MedGen C1865018, MONDO:0012314, OMIM 609622.

Allele frequency attached by ClinVar (database versions not stated): gnomAD exomes below 0.00001; ExAC 0.00001.
gnomAD v4.1: 6 of 1,613,884 alleles (0.00037%); highest among the groups gnomAD compares: South Asian, 0.0055%; no homozygotes.

Submission:

Labcorp Genetics (formerly Invitae), Labcorp
Classification: Uncertain significance for Short QT syndrome type 3; Andersen Tawil syndrome. Last evaluated: 2022-07-18. Review status: criteria provided, single submitter. Criteria: Invitae Variant Classification Sherloc (09022015). Collection method: clinical testing. Allele origin: germline.
Comment: ClinVar contains an entry for this variant (Variation ID: 661299). Algorithms developed to predict the effect of missense changes on protein structure and function are either unavailable or do not agree on the potential impact of this missense change (SIFT: "Deleterious"; PolyPhen-2: "Possibly Damaging"; Align-GVGD: "Class C0"). This variant has not been reported in the literature in individuals affected with KCNJ2-related conditions. This variant is present in population databases (rs772815957, gnomAD 0.007%). This sequence change replaces lysine, which is basic and polar, with arginine, which is basic and polar, at codon 34 of the KCNJ2 protein (p.Lys34Arg). In summary, the available evidence is currently insufficient to determine the role of this variant in disease. Therefore, it has been classified as a Variant of Uncertain Significance.